The following is an entry in ClinVar:

NM_031475.3(ESPN):c.489-2A>G

Gene: ESPN (espin; plus strand). Cytogenetic location: 1p36.31.
Variant type: single nucleotide variant.
Coding change: c.489-2A>G on transcript NM_031475.3 (MANE Select); the canonical splice acceptor site of the intron before coding-DNA position 489, A replaced by G.
Molecular consequence: splice acceptor variant.
Genome position (GRCh38, 1-based): chr1:6,440,252, A>G. VCF-style: chr1-6440252-A-G. GRCh37 (hg19) VCF-style: chr1-6500312-A-G.
Other names: c.489-2A>G (NM_001367474.1, NM_001367473.1).
Identifiers: ClinVar variation 4291998 (VCV004291998.1).

ClinVar aggregate classification (germline): Pathogenic (1 of 4 stars; one submission).

Conditions:
Autosomal recessive nonsyndromic hearing loss 36. Also called: DEAFNESS, AUTOSOMAL RECESSIVE 36, WITH VESTIBULAR INVOLVEMENT; Deafness, autosomal recessive 36. Identifiers: Orphanet 90636, MedGen C1837007, MONDO:0012170, OMIM 609006.

Submission:

3billion
Classification: Pathogenic for Autosomal recessive nonsyndromic hearing loss 36. Last evaluated: 2025-04-11. Review status: criteria provided, single submitter. Criteria: ACMG Guidelines, 2015. Collection method: clinical testing. Allele origin: germline. Affected: yes.
Comment: The variant is observed at an extremely low frequency in the gnomAD v4.1.0 dataset (total allele frequency: <0.001%). Predicted Consequence/Location: Canonical splice site: predicted to alter splicing and result in a loss or disruption of normal protein function. Multiple pathogenic loss-of-function variants are reported downstream of the variant. The variant was homozygous. In silico tools predict the variant to alter splicing and produce an abnormal transcript [SpliceAI: 1.00 (spliceogenicity >=0.2, non-spliceogenicity <0.1)]. Therefore, this variant is classified as Pathogenic according to the recommendation of ACMG/AMP guideline.